The following is an entry in ClinVar:

NM_001271938.2(MEGF8):c.5509C>G (p.Pro1837Ala)

Gene: MEGF8 (multiple EGF like domains 8; plus strand). Cytogenetic location: 19q13.2.
Variant type: single nucleotide variant.
Coding change: c.5509C>G on transcript NM_001271938.2 (MANE Select); coding-DNA position 5509, C replaced by G.
Protein change: p.Pro1837Ala; replaces proline 1837 with alanine.
Molecular consequence: missense variant.
Genome position (GRCh38, 1-based): chr19:42,360,795, C>G. VCF-style: chr19-42360795-C-G. GRCh37 (hg19) VCF-style: chr19-42864947-C-G.
Other names: c.5308C>G, p.Pro1770Ala (NM_001410.3); short protein forms P1770A, P1837A.
Identifiers: ClinVar variation 4624867 (VCV004624867.2).

ClinVar aggregate classification (germline): Uncertain significance. Review status: criteria provided, multiple submitters, no conflicts (2 of 4 stars). 2 submissions from 2 submitters: Uncertain significance (2). Last evaluated 2025-10-17.

Conditions:
Inborn genetic diseases. Identifiers: MedGen C0950123, MeSH D030342.
MEGF8-related Carpenter syndrome. Also called: Carpenter syndrome 2. Identifiers: Orphanet 65759, MedGen C3554247, MONDO:0013998, OMIM 614976.

gnomAD v4.1: 9 of 1,596,198 alleles (0.00056%); highest among the groups gnomAD compares: African/African-American, 0.0013%; no homozygotes.

Submissions (2):

Ambry Genetics
Classification: Uncertain significance for Inborn genetic diseases. Last evaluated: 2025-10-17. Review status: criteria provided, single submitter. Criteria: Ambry Variant Classification Scheme 2023. Collection method: clinical testing. Allele origin: germline.

Labcorp Genetics (formerly Invitae), Labcorp
Classification: Uncertain significance for MEGF8-related Carpenter syndrome. Last evaluated: 2025-07-16. Review status: criteria provided, single submitter. Criteria: Invitae Variant Classification Sherloc (09022015). Collection method: clinical testing. Allele origin: germline.
Comment: This sequence change replaces proline, which is neutral and non-polar, with alanine, which is neutral and non-polar, at codon 1770 of the MEGF8 protein (p.Pro1770Ala). This variant is present in population databases (no rsID available, gnomAD 0.008%). This variant has not been reported in the literature in individuals affected with MEGF8-related conditions. An algorithm developed to predict the effect of missense changes on protein structure and function (PolyPhen-2) suggests that this variant is likely to be disruptive. In summary, the available evidence is currently insufficient to determine the role of this variant in disease. Therefore, it has been classified as a Variant of Uncertain Significance.